The following is an entry in ClinVar:

NM_000642.3(AGL):c.1460G>T (p.Trp487Leu)

Gene: AGL (amylo-alpha-1,6-glucosidase and 4-alpha-glucanotransferase; plus strand). Cytogenetic location: 1p21.2.
Variant type: single nucleotide variant.
Coding change: c.1460G>T on transcript NM_000642.3 (MANE Select); coding-DNA position 1460, G replaced by T.
Protein change: p.Trp487Leu; replaces tryptophan 487 with leucine.
Molecular consequence: missense variant.
Genome position (GRCh38, 1-based): chr1:99,877,677, G>T. VCF-style: chr1-99877677-G-T. GRCh37 (hg19) VCF-style: chr1-100343233-G-T.
Other names: c.1460G>T, p.Trp487Leu (NM_000028.3, NM_000643.3, NM_000644.3 and 2 more transcripts); c.1412G>T, p.Trp471Leu (NM_000646.3); c.1259G>T, p.Trp420Leu (NM_001425327.1); c.1256G>T, p.Trp419Leu (NM_001425328.1, NM_001425329.1); c.1082G>T, p.Trp361Leu (NM_001425332.1); short protein forms W487L, W471L, W361L, W419L, W420L.
Identifiers: ClinVar variation 1495291 (VCV001495291.8), dbSNP rs2101136214, ClinGen allele CA341314552.

ClinVar aggregate classification (germline): Uncertain significance (1 of 4 stars; one submission).

Conditions:
Glycogen storage disease type III (GSD3). Also called: Cori disease; FORBES DISEASE. Identifiers: Orphanet 366, MedGen C0017922, MONDO:0009291, OMIM 232400.

Submission:

Labcorp Genetics (formerly Invitae), Labcorp
Classification: Uncertain significance for Glycogen storage disease type III. Last evaluated: 2021-03-24. Review status: criteria provided, single submitter. Criteria: Invitae Variant Classification Sherloc (09022015). Collection method: clinical testing. Allele origin: germline.
Comment: In summary, the available evidence is currently insufficient to determine the role of this variant in disease. Therefore, it has been classified as a Variant of Uncertain Significance. Algorithms developed to predict the effect of missense changes on protein structure and function are either unavailable or do not agree on the potential impact of this missense change (SIFT: "Deleterious"; PolyPhen-2: "Probably Damaging"; Align-GVGD: "Class C0"). This variant has not been reported in the literature in individuals with AGL-related conditions. This variant is not present in population databases (ExAC no frequency). This sequence change replaces tryptophan with leucine at codon 487 of the AGL protein (p.Trp487Leu). The tryptophan residue is highly conserved and there is a small physicochemical difference between tryptophan and leucine.